The following is an entry in ClinVar:

ClinVar aggregate classification (germline): Conflicting classifications of pathogenicity. Review status: criteria provided, conflicting classifications (1 of 4 stars). 8 submissions from 8 submitters: Uncertain significance (5); Likely benign (3). Last evaluated 2025-12-17.

Conditions:
DICER1-related disorder. Also called: DICER1-related condition.
Global developmental delay - lung cysts - overgrowth - Wilms tumor syndrome. Also called: GLOBAL DEVELOPMENTAL DELAY, LUNG CYSTS, OVERGROWTH, AND WILMS TUMOR; GLOW Syndrome. Identifiers: Orphanet 404476, MedGen C4748924, MONDO:0018445, OMIM 618272.
DICER1-related tumor predisposition. Also called: DICER1 syndrome; DICER1-related pleuropulmonary blastoma cancer predisposition syndrome. Identifiers: Orphanet 284343, MedGen C3839822, MONDO:0100216.
Hereditary cancer-predisposing syndrome. Also called: Neoplastic Syndromes, Hereditary; Tumor predisposition; Hereditary Cancer Syndrome; Hereditary neoplastic syndrome. Identifiers: Orphanet 140162, MedGen C0027672, MeSH D009386, MONDO:0015356.

Allele frequency attached by ClinVar (database versions not stated): TOPMed below 0.00001; ExAC 0.00001; gnomAD 0.00001 and 0.00002; gnomAD exomes 0.00001 and 0.00002; 1000 Genomes Project 30x 0.00016; 1000 Genomes Project 0.00020.
gnomAD v4.1: 23 of 1,614,184 alleles (0.0014%); highest among the groups gnomAD compares: South Asian, 0.0077%; no homozygotes.

Submissions (8):

Labcorp Genetics (formerly Invitae), Labcorp
Classification: Likely benign for DICER1-related tumor predisposition. Last evaluated: 2025-12-17. Review status: criteria provided, single submitter. Criteria: Invitae Variant Classification Sherloc (09022015). Collection method: clinical testing. Allele origin: germline.

Ambry Genetics
Classification: Uncertain significance for Hereditary cancer-predisposing syndrome. Last evaluated: 2025-09-28. Review status: criteria provided, single submitter. Criteria: Ambry Variant Classification Scheme 2023. Collection method: clinical testing. Allele origin: germline.

PreventionGenetics, part of Exact Sciences
Classification: Likely benign for DICER1-related condition. Last evaluated: 2025-06-20. Review status: criteria provided, single submitter. Criteria: ACMG Guidelines, 2015. Collection method: clinical testing. Allele origin: germline.
Comment: This variant is classified as likely benign based on ACMG/AMP sequence variant interpretation guidelines (Richards et al. 2015 PMID: 25741868, with internal and published modifications).

Center for Genomic Medicine, Rigshospitalet, Copenhagen University Hospital
Classification: Uncertain significance. Last evaluated: 2025-03-04. Review status: criteria provided, single submitter. Criteria: ACMG Guidelines, 2015. Collection method: clinical testing. Allele origin: germline.
Comment: Classification criteria: BP4_supporting

Baylor Genetics
Classification: Uncertain significance for Global developmental delay - lung cysts - overgrowth - Wilms tumor syndrome. Last evaluated: 2023-12-25. Review status: criteria provided, single submitter. Criteria: ACMG Guidelines, 2015. Collection method: clinical testing. Allele origin: unknown.

Sema4
Classification: Uncertain significance for Hereditary cancer-predisposing syndrome. Last evaluated: 2021-08-12. Review status: criteria provided, single submitter. Criteria: Sema4 Curation Guidelines. Collection method: curation. Allele origin: germline.
Comment: The DICER1 c.4888C>T (p.R1630C) variant has been reported in at least one individual with a rhabdosarcoma (PMID: 26580448). It was observed in 5/282778 chromosomes across all populations in the large and broad cohorts of the Genome Aggregation Database (PMID: 32461654). The variant has been reported in ClinVar (Variation ID 412061). Functional studies have not been performed, and in silico predictions of the variant's effect on protein function are inconclusive. The evidence is insufficient to meet ACMG/AMP criteria for classifying the variant as benign or pathogenic. Thus, the clinical significance of this variant is currently uncertain.

St. Jude Molecular Pathology, St. Jude Children's Research Hospital
Classification: Uncertain significance for DICER1-related tumor predisposition. Last evaluated: 2021-03-29. Review status: criteria provided, single submitter. Criteria: St. Jude Assertion Criteria 2020. Collection method: clinical testing. Allele origin: germline.
Comment: The DICER1 c.4888C>T (p.Arg1630Cys) missense change has a maximum subpopulation frequency of 0.005% in gnomAD v2.1.1. Five of seven in silico tools predict a benign effect of this variant on protein function (BP4), but to our knowledge these predictions have not been confirmed by functional assays. Although this variant occurs in a gene where missense variants are more likely to be damaging (PMID: 27535533), the variant lies at a residue that has a constrained coding region score of 0 and is not predicted to be more damaging based on methods described by Havrilla et al (PMID: 30531870). This variant has been reported in individuals with rhabdomyosarcoma and atypical teratoid/rhabdoid tumor (PMID: 26580448, internal data). In summary, this variant meets criteria to be classified as of uncertain significance based on the ACMG/AMP criteria: BP4.

Foulkes Cancer Genetics LDI, Lady Davis Institute for Medical Research
Classification: Likely benign. Last evaluated: 2019-07-01. Review status: criteria provided, single submitter. Criteria: ACMG Guidelines, 2015. Collection method: curation. Allele origin: germline. Affected: yes. Observed: 1 variant allele.
Comment: ACMG criteria met: PM1, BS2, BP1

Literature cited by the submitters: PubMed 26580448 (cited by Sema4 and Foulkes Cancer Genetics LDI, Lady Davis Institute for Medical Research).

NM_177438.3(DICER1):c.4888C>T (p.Arg1630Cys)

Gene: DICER1 (dicer 1, ribonuclease III; minus strand). Cytogenetic location: 14q32.13.
Variant type: single nucleotide variant.
Coding change: c.4888C>T on transcript NM_177438.3 (MANE Select); coding-DNA position 4888, C replaced by T.
Protein change: p.Arg1630Cys; replaces arginine 1630 with cysteine.
Molecular consequence: missense variant.
Genome position (GRCh38, 1-based): chr14:95,096,032, G>A on the plus strand (C>T on the coding strand, the complement: DICER1 is on the minus strand). VCF-style: chr14-95096032-G-A. GRCh37 (hg19) VCF-style: chr14-95562369-G-A.
Other names: c.4888C>T, p.Arg1630Cys (NM_001195573.1, NM_001271282.3, NM_001291628.2 and 1 more transcripts); short protein forms R1630C.
Identifiers: ClinVar variation 412061 (VCV000412061.27), dbSNP rs549532374, ClinGen allele CA7330778.